The following is an entry in ClinVar:

ClinVar aggregate classification (germline): Uncertain significance (0 of 4 stars; one submission).

Allele frequency attached by ClinVar (database versions not stated): gnomAD exomes below 0.00001.
gnomAD v4.1: 2 of 1,605,052 alleles (0.00012%); highest among the groups gnomAD compares: Non-Finnish European, 0.00017%; no homozygotes.

Submission:

Martin Pollak Laboratory,  Beth Israel Deaconess Medical Center
Classification: Uncertain significance. Review status: no assertion criteria provided. Collection method: not provided. Allele origin: unknown.
Comment: Lower UCa2+ group
ClinVar note: Converted during submission from unknown to Uncertain significance.

NM_003040.4(SLC4A2):c.3342C>T (p.Pro1114=)

Gene: SLC4A2 (solute carrier family 4 member 2; plus strand). Cytogenetic location: 7q36.1.
Variant type: single nucleotide variant.
Coding change: c.3342C>T on transcript NM_003040.4 (MANE Select); coding-DNA position 3342, C replaced by T.
Protein change: p.Pro1114=; no amino-acid change (proline 1114 retained).
Molecular consequence: synonymous variant.
Genome position (GRCh38, 1-based): chr7:151,075,646, C>T. VCF-style: chr7-151075646-C-T. GRCh37 (hg19) VCF-style: chr7-150772733-C-T.
Other names: c.3342C>T, p.Pro1114= (NM_001199692.3); c.3315C>T, p.Pro1105= (NM_001199693.1); c.3300C>T, p.Pro1100= (NM_001199694.2).
Identifiers: ClinVar variation 64511 (VCV000064511.2), dbSNP rs387907520, ClinGen allele CA216311.
Genomic context (GRCh38, chr7:151,075,646, plus strand): 5'-TTCTCCTGCGCCTCCCGTAGGCCTCTCCATAGTTATCGGGGATCTGCTCCGGCAGATCCC[C>T]CTGGCCGTGCTCTTTGGAATTTTCCTGTACATGGGAGTCACCTCCCTTAACGGGATCCAG-3'
Protein context (NP_003031.3, residues 1104-1124): IVIGDLLRQI[Pro1114=]LAVLFGIFLY